The following is an entry in ClinVar:

ClinVar aggregate classification (germline): Uncertain significance. Review status: criteria provided, multiple submitters, no conflicts (2 of 4 stars). 3 submissions from 3 submitters: Uncertain significance (3). Last evaluated 2023-12-15.

Conditions:
Familial adenomatous polyposis 1 (FAP1). Also called: FAMILIAL ADENOMATOUS POLYPOSIS 1, ATTENUATED; POLYPOSIS, ADENOMATOUS INTESTINAL. Identifiers: MedGen C2713442, MONDO:0021056, OMIM 175100. Disease mechanism: loss of function.
Classic or attenuated familial adenomatous polyposis. Identifiers: MedGen CN372698, MONDO:0021057.
Hereditary cancer-predisposing syndrome. Also called: Tumor predisposition; Hereditary neoplastic syndrome; Neoplastic Syndromes, Hereditary; Hereditary Cancer Syndrome. Identifiers: Orphanet 140162, MedGen C0027672, MeSH D009386, MONDO:0015356.

Allele frequency attached by ClinVar (database versions not stated): gnomAD exomes below 0.00001.
gnomAD v4.1: 1 of 1,613,704 alleles (0.000062%); highest among the groups gnomAD compares: South Asian, 0.0011%; no homozygotes.

Submissions (3):

Ambry Genetics
Classification: Uncertain significance for Hereditary cancer-predisposing syndrome. Last evaluated: 2023-12-15. Review status: criteria provided, single submitter. Criteria: Ambry Variant Classification Scheme 2023. Collection method: clinical testing. Allele origin: germline.
Comment: The p.N2402Y variant (also known as c.7204A>T), located in coding exon 15 of the APC gene, results from an A to T substitution at nucleotide position 7204. The asparagine at codon 2402 is replaced by tyrosine, an amino acid with dissimilar properties. This amino acid position is well conserved in available vertebrate species. In addition, in silico predictors for this gene do not accurately predict pathogenicity. Since supporting evidence is limited at this time, the clinical significance of this alteration remains unclear.

Labcorp Genetics (formerly Invitae), Labcorp
Classification: Uncertain significance for Familial adenomatous polyposis 1. Last evaluated: 2023-12-01. Review status: criteria provided, single submitter. Criteria: Invitae Variant Classification Sherloc (09022015). Collection method: clinical testing. Allele origin: germline.
Comment: This sequence change replaces asparagine, which is neutral and polar, with tyrosine, which is neutral and polar, at codon 2402 of the APC protein (p.Asn2402Tyr). This variant is present in population databases (rs587780550, gnomAD 0.003%). This variant has not been reported in the literature in individuals affected with APC-related conditions. ClinVar contains an entry for this variant (Variation ID: 132747). Advanced modeling of protein sequence and biophysical properties (such as structural, functional, and spatial information, amino acid conservation, physicochemical variation, residue mobility, and thermodynamic stability) performed at Invitae indicates that this missense variant is not expected to disrupt APC protein function with a negative predictive value of 95%. In summary, the available evidence is currently insufficient to determine the role of this variant in disease. Therefore, it has been classified as a Variant of Uncertain Significance.

All of Us Research Program, National Institutes of Health
Classification: Uncertain significance for Classic or attenuated familial adenomatous polyposis. Last evaluated: 2023-06-28. Review status: criteria provided, single submitter. Criteria: ACMG Guidelines, 2015. Collection method: clinical testing. Allele origin: germline. Inheritance: Autosomal dominant inheritance. Observed: 1 variant allele, 1 heterozygote.
Comment: This study involves interpretation of variants in research participants for the purpose of population health screening. Participant phenotype was not available at the time of variant classification. Additional details can be found in publication PMID: 35346344, PMCID: PMC8962531

NM_000038.6(APC):c.7204A>T (p.Asn2402Tyr)

Gene: APC (APC regulator of Wnt signaling pathway; plus strand). Cytogenetic location: 5q22.2.
Variant type: single nucleotide variant.
Coding change: c.7204A>T on transcript NM_000038.6 (MANE Select); coding-DNA position 7204, A replaced by T.
Protein change: p.Asn2402Tyr; replaces asparagine 2402 with tyrosine.
Molecular consequence: missense variant.
Genome position (GRCh38, 1-based): chr5:112,842,798, A>T. VCF-style: chr5-112842798-A-T. GRCh37 (hg19) VCF-style: chr5-112178495-A-T.
Other names: c.7204A>T, p.Asn2402Tyr (NM_001127510.3, NM_001354895.2); c.7150A>T, p.Asn2384Tyr (NM_001127511.3); c.7258A>T, p.Asn2420Tyr (NM_001354896.2); c.7234A>T, p.Asn2412Tyr (NM_001354897.2); c.7129A>T, p.Asn2377Tyr (NM_001354898.2); c.7120A>T, p.Asn2374Tyr (NM_001354899.2); c.7081A>T, p.Asn2361Tyr (NM_001354900.2); c.7027A>T, p.Asn2343Tyr (NM_001354901.2); and 5 more; short protein forms N2402Y, N2384Y, N2276Y, N2343Y, N2374Y, N2377Y, N2412Y, N2242Y.
Identifiers: ClinVar variation 132747 (VCV000132747.8), dbSNP rs587780550, ClinGen allele CA012931.
Genomic context (GRCh38, chr5:112,842,798, plus strand): 5'-ACAGGTTTATCCAAGAATGCCAGTAGTATTCCAAGAAGTGAGTCTGCCTCCAAAGGACTA[A>T]ATCAGATGAATAATGGTAATGGAGCCAATAAAAAGGTAGAACTTTCTAGAATGTCTTCAA-3'
Protein context (NP_000029.2, residues 2392-2412): PRSESASKGL[Asn2402Tyr]QMNNGNGANK